The following is an entry in ClinVar:

NM_000245.4(MET):c.1629C>T (p.Asp543=)

Gene: MET (MET proto-oncogene, receptor tyrosine kinase; plus strand). Cytogenetic location: 7q31.2.
Variant type: single nucleotide variant.
Coding change: c.1629C>T on transcript NM_000245.4 (MANE Select); coding-DNA position 1629, C replaced by T.
Protein change: p.Asp543=; no amino-acid change (aspartic acid 543 retained).
Molecular consequence: synonymous variant.
Genome position (GRCh38, 1-based): chr7:116,740,953, C>T. VCF-style: chr7-116740953-C-T. GRCh37 (hg19) VCF-style: chr7-116381007-C-T.
Other names: c.1629C>T, p.Asp543= (NM_001127500.3, NM_001324401.3); c.339C>T, p.Asp113= (NM_001324402.2).
Identifiers: ClinVar variation 1115296 (VCV001115296.10), dbSNP rs2116836336, ClinGen allele CA457215606.

ClinVar aggregate classification (germline): Benign/Likely benign. Review status: criteria provided, multiple submitters, no conflicts (2 of 4 stars). 2 submissions from 2 submitters: Benign (1); Likely benign (1). Last evaluated 2024-11-07.

Conditions:
Papillary renal cell carcinoma type 1 (RCCP1). Also called: RENAL CELL CARCINOMA, PAPILLARY, 1, SOMATIC; Renal adenocarcinoma; Renal cell carcinoma 1; Renal cell carcinoma, somatic. Identifiers: Orphanet 47044, MedGen C1336839, OMIM 605074, HP:0011797.
Renal cell carcinoma. Identifiers: Orphanet 217071, MedGen C0007134, MeSH D002292, MONDO:0005086, HP:0005584.

Submissions (2):

Myriad Genetics, Inc.
Classification: Benign for Papillary renal cell carcinoma type 1. Last evaluated: 2024-11-07. Review status: criteria provided, single submitter. Criteria: Myriad Autosomal Dominant, Autosomal Recessive and X-Linked Classification Criteria (2023). Collection method: clinical testing. Allele origin: unknown.
Comment: This variant is considered benign. This variant is a silent/synonymous amino acid change and it is not expected to impact splicing.

Labcorp Genetics (formerly Invitae), Labcorp
Classification: Likely benign for Renal cell carcinoma. Last evaluated: 2019-08-31. Review status: criteria provided, single submitter. Criteria: Invitae Variant Classification Sherloc (09022015). Collection method: clinical testing. Allele origin: germline.